The following is an entry in ClinVar:

ClinVar aggregate classification (germline): Uncertain significance (1 of 4 stars; one submission).

Allele frequency attached by ClinVar (database versions not stated): gnomAD exomes 0.00002; TOPMed 0.00002; gnomAD 0.00003; 1000 Genomes Project 30x 0.00016.
gnomAD v4.1: 24 of 1,262,022 alleles (0.0019%); highest among the groups gnomAD compares: East Asian, 0.074%; no homozygotes.

Submission:

GeneDx
Classification: Uncertain significance. Last evaluated: 2022-03-08. Review status: criteria provided, single submitter. Criteria: GeneDx Variant Classification Process June 2021. Collection method: clinical testing. Allele origin: germline. Affected: yes.
Comment: Not observed at significant frequency in large population cohorts (gnomAD); In silico analysis supports that this missense variant does not alter protein structure/function; Has not been previously published as pathogenic or benign to our knowledge

NM_031475.3(ESPN):c.1682G>A (p.Arg561His)

Gene: ESPN (espin; plus strand). Cytogenetic location: 1p36.31.
Variant type: single nucleotide variant.
Coding change: c.1682G>A on transcript NM_031475.3 (MANE Select); coding-DNA position 1682, G replaced by A.
Protein change: p.Arg561His; replaces arginine 561 with histidine.
Molecular consequence: missense variant. On other transcripts: intron variant (2).
Genome position (GRCh38, 1-based): chr1:6,448,858, G>A. VCF-style: chr1-6448858-G-A. GRCh37 (hg19) VCF-style: chr1-6508918-G-A.
Other names: c.1627-35G>A (NM_001367474.1, NM_001367473.1); short protein forms R561H.
Identifiers: ClinVar variation 1705011 (VCV001705011.2), dbSNP rs1166868196, ClinGen allele CA338097172.
Genomic context (GRCh38, chr1:6,448,858, plus strand): 5'-AGGAGGTGCGTGCCCGCCAGCCCGCGCGCGCCGGCTGCCCGCGCCTCGGCCCTGCCGCCC[G>A]CGGCTCACTCGAAGGCCCCTCCGCTCCCCCGCAGGCGGCGCTGCTTCCTGGGAACCATGT-3'
Protein context (NP_113663.2, residues 551-571): AGCPRLGPAA[Arg561His]GSLEGPSAPP